The following is an entry in ClinVar:

ClinVar aggregate classification (germline): Benign. Review status: criteria provided, multiple submitters, no conflicts (2 of 4 stars). 2 submissions from 2 submitters: Benign (2). Last evaluated 2018-01-13.

Conditions:
Epidermolysis bullosa simplex due to plakophilin deficiency. Also called: MCGRATH SYNDROME. Identifiers: Orphanet 158668, MedGen C1858302, MONDO:0011472, OMIM 604536.

Allele frequency attached by ClinVar (database versions not stated): 1000 Genomes Project 30x 0.61587; TOPMed 0.62321; gnomAD 0.62704 and 0.63675; 1000 Genomes Project 0.62740; gnomAD exomes 0.72619.
gnomAD v4.1: 97,081 of 152,164 alleles (64%); highest among the groups gnomAD compares: East Asian, 87%; 34,888 homozygotes.

Submissions (2):

Illumina Laboratory Services, Illumina
Classification: Benign for Epidermolysis bullosa simplex due to plakophilin deficiency. Last evaluated: 2018-01-13. Review status: criteria provided, single submitter. Criteria: ICSL Variant Classification Criteria 13 December 2019. Collection method: clinical testing. Allele origin: germline.
Comment: This variant was observed in the ICSL laboratory as part of a predisposition screen in an ostensibly healthy population. It had not been previously curated by ICSL or reported in the Human Gene Mutation Database (HGMD: prior to June 1st, 2018), and was therefore a candidate for classification through an automated scoring system. Utilizing variant allele frequency, disease prevalence and penetrance estimates, and inheritance mode, an automated score was calculated to assess if this variant is too frequent to cause the disease. Based on the score and internal cut-off values, a variant classified as benign is not then subjected to further curation. The score for this variant resulted in a classification of benign for this disease.

Breakthrough Genomics
Classification: Benign. Review status: criteria provided, single submitter. Criteria: ACMG Guidelines, 2015. Collection method: not provided. Allele origin: germline. Inheritance: Autosomal recessive inheritance. Affected: yes.

NM_001005337.3(PKP1):c.*731G>A

Gene: PKP1 (plakophilin 1; plus strand). Cytogenetic location: 1q32.1.
Variant type: single nucleotide variant.
Coding change: c.*731G>A on transcript NM_001005337.3 (MANE Select); 731 bases downstream of the stop codon, G replaced by A.
Molecular consequence: 3 prime UTR variant.
Genome position (GRCh38, 1-based): chr1:201,330,772, G>A. VCF-style: chr1-201330772-G-A. GRCh37 (hg19) VCF-style: chr1-201299900-G-A.
Other names: c.*731G>A (NM_000299.4).
Identifiers: ClinVar variation 294854 (VCV000294854.6), dbSNP rs3795629, ClinGen allele CA10608757.